The following is an entry in ClinVar:

NM_001201543.2(FAM161A):c.906A>G (p.Gln302=)

Gene: FAM161A (FAM161 centrosomal protein A; minus strand). Cytogenetic location: 2p15.
Variant type: single nucleotide variant.
Coding change: c.906A>G on transcript NM_001201543.2 (MANE Select); coding-DNA position 906, A replaced by G.
Protein change: p.Gln302=; no amino-acid change (glutamine 302 retained).
Molecular consequence: synonymous variant. On other transcripts: non-coding transcript variant (1).
Genome position (GRCh38, 1-based): chr2:61,840,098, T>C on the plus strand (A>G on the coding strand, the complement: FAM161A is on the minus strand). VCF-style: chr2-61840098-T-C. GRCh37 (hg19) VCF-style: chr2-62067233-T-C.
Other names: c.906A>G, p.Gln302= (NM_032180.3).
Identifiers: ClinVar variation 717824 (VCV000717824.17), dbSNP rs76110744, ClinGen allele CA1679251.
Genomic context (GRCh38, chr2:61,840,098, plus strand): 5'-TTGTGAGGCCAAAAGAGCTTCTTTGCTTTTCTCCTTCAGAGACCTTCTCCGTTCTTCTTT[T>C]TGCTTGACTAAATCATGGTAAAGGGGGAGAAAGACAGATGCAGGAACTGGATTGGCTCGG-3'
Protein context (NP_001188472.1, residues 292-312): FLPLYHDLVK[Gln302=]KEERRRSLKE

ClinVar aggregate classification (germline): Benign/Likely benign. Review status: criteria provided, multiple submitters, no conflicts (2 of 4 stars). 5 submissions from 5 submitters: Benign (1); Likely benign (3). 1 of the submissions does not count toward it. Last evaluated 2026-01-31.

Conditions:
Retinitis pigmentosa (RP). Identifiers: Orphanet 791, MedGen C0035334, MeSH D012174, MONDO:0019200, OMIM 268000. Inheritance: Autosomal dominant, autosomal recessive and X linked inheritance.

Allele frequency attached by ClinVar (database versions not stated): gnomAD exomes 0.00066 and 0.00171; ExAC 0.00205; 1000 Genomes Project 30x 0.00500; 1000 Genomes Project 0.00519; gnomAD 0.00644 and 0.00702; TOPMed 0.00776; ESP Exome Variant Server 0.00800.
gnomAD v4.1: 1,964 of 1,614,214 alleles (0.12%); highest among the groups gnomAD compares: African/African-American, 2.4%; 29 homozygotes.

Submissions (5):

Labcorp Genetics (formerly Invitae), Labcorp
Classification: Benign. Last evaluated: 2026-01-31. Review status: criteria provided, single submitter. Criteria: Invitae Variant Classification Sherloc (09022015). Collection method: clinical testing. Allele origin: germline.

Blueprint Genetics
Classification: Likely benign. Last evaluated: 2024-10-02. Review status: criteria provided, single submitter. Criteria: ACMG Guidelines, 2015. Collection method: clinical testing. Allele origin: germline.

Illumina Laboratory Services, Illumina
Classification: Likely benign for Retinitis pigmentosa. Last evaluated: 2018-01-13. Review status: criteria provided, single submitter. Criteria: ICSL Variant Classification Criteria 13 December 2019. Collection method: clinical testing. Allele origin: germline.
Comment: This variant was observed in the ICSL laboratory as part of a predisposition screen in an ostensibly healthy population. It had not been previously curated by ICSL or reported in the Human Gene Mutation Database (HGMD: prior to June 1st, 2018), and was therefore a candidate for classification through an automated scoring system. Utilizing variant allele frequency, disease prevalence and penetrance estimates, and inheritance mode, an automated score was calculated to assess if this variant is too frequent to cause the disease. Based on the score and internal cut-off values, a variant classified as likely benign is not then subjected to further curation. The score for this variant resulted in a classification of likely benign for this disease.

Breakthrough Genomics
Classification: Likely benign. Review status: criteria provided, single submitter. Criteria: ACMG Guidelines, 2015. Collection method: not provided. Allele origin: germline. Inheritance: Unknown mechanism. Affected: yes.

Natera, Inc.
Classification: Benign for Retinitis pigmentosa. Last evaluated: 2020-09-16. Review status: no assertion criteria provided. Collection method: clinical testing. Allele origin: germline. Not counted in ClinVar's aggregate classification.